The following is an entry in ClinVar:

ClinVar aggregate classification (germline): Likely pathogenic (1 of 4 stars; one submission).

Conditions:
Sotos syndrome (SOTOS). Also called: CHROMOSOME 5q35 DELETION SYNDROME; SOTOS SYNDROME 1; CEREBRAL GIGANTISM; Sotos' syndrome; Distinctive facial appearance, overgrowth in childhood, and learning disabilities or delayed development. Identifiers: Orphanet 821, MedGen C0175695, MONDO:0019349, OMIM 117550.

Submission:

Laboratorio de Genetica e Diagnostico Molecular, Hospital Israelita Albert Einstein
Classification: Likely pathogenic for Sotos syndrome. Last evaluated: 2023-08-18. Review status: criteria provided, single submitter. Criteria: ACMG Guidelines, 2015. Collection method: clinical testing. Allele origin: germline. Affected: yes.
Comment: ACMG classification criteria: PVS1 very strong, PM2 moderate

NM_022455.5(NSD1):c.3151G>T (p.Glu1051Ter)

Gene: NSD1 (nuclear receptor binding SET domain protein 1; plus strand). Cytogenetic location: 5q35.3.
Variant type: single nucleotide variant.
Coding change: c.3151G>T on transcript NM_022455.5 (MANE Select); coding-DNA position 3151, G replaced by T.
Protein change: p.Glu1051Ter; replaces glutamic acid 1051 with a stop codon.
Molecular consequence: nonsense.
Genome position (GRCh38, 1-based): chr5:177,211,550, G>T. VCF-style: chr5-177211550-G-T. GRCh37 (hg19) VCF-style: chr5-176638551-G-T.
Other names: c.2278G>T, p.Glu760Ter (NM_001409308.1, NM_001409309.1, NM_172349.5 and 3 more transcripts); c.3151G>T, p.Glu1051Ter (NM_001409301.1, NM_001409302.1, NM_001409303.1); c.2731G>T, p.Glu911Ter (NM_001409304.1); c.2398G>T, p.Glu800Ter (NM_001409305.1); short protein forms E1051*, E760*, E800*, E911*.
Identifiers: ClinVar variation 4056680 (VCV004056680.1).